The following is an entry in ClinVar:

NM_000632.4(ITGAM):c.1109G>A (p.Gly370Glu)

Gene: ITGAM (integrin subunit alpha M; plus strand). Cytogenetic location: 16p11.2.
Variant type: single nucleotide variant.
Coding change: c.1109G>A on transcript NM_000632.4 (MANE Select); coding-DNA position 1109, G replaced by A.
Protein change: p.Gly370Glu; replaces glycine 370 with glutamic acid.
Molecular consequence: missense variant.
Genome position (GRCh38, 1-based): chr16:31,276,945, G>A. VCF-style: chr16-31276945-G-A. GRCh37 (hg19) VCF-style: chr16-31288266-G-A.
Other names: c.1109G>A, p.Gly370Glu (NM_001145808.2); short protein forms G370E.
Identifiers: ClinVar variation 2997298 (VCV002997298.3), dbSNP rs2079913472, ClinGen allele CA395698945.

ClinVar aggregate classification (germline): Uncertain significance (1 of 4 stars; one submission).

Allele frequency attached by ClinVar (database versions not stated): TOPMed below 0.00001.

Submission:

Labcorp Genetics (formerly Invitae), Labcorp
Classification: Uncertain significance. Last evaluated: 2023-09-08. Review status: criteria provided, single submitter. Criteria: Invitae Variant Classification Sherloc (09022015). Collection method: clinical testing. Allele origin: germline.
Comment: In summary, the available evidence is currently insufficient to determine the role of this variant in disease. Therefore, it has been classified as a Variant of Uncertain Significance. An algorithm developed to predict the effect of missense changes on protein structure and function (PolyPhen-2) suggests that this variant is likely to be disruptive. This variant has not been reported in the literature in individuals affected with ITGAM-related conditions. This variant is not present in population databases (gnomAD no frequency). This sequence change replaces glycine, which is neutral and non-polar, with glutamic acid, which is acidic and polar, at codon 370 of the ITGAM protein (p.Gly370Glu).